The following is an entry in ClinVar:

ClinVar aggregate classification (germline): Uncertain significance. Review status: criteria provided, multiple submitters, no conflicts (2 of 4 stars). 2 submissions from 2 submitters: Uncertain significance (2). Last evaluated 2020-10-15.

Conditions:
Glycogen storage disease due to muscle and heart glycogen synthase deficiency. Also called: GSD 0b; MUSCLE GLYCOGEN SYNTHASE DEFICIENCY. Identifiers: Orphanet 137625, MedGen C1969054, MONDO:0012693, OMIM 611556.

gnomAD v4.1: 2 of 1,539,748 alleles (0.00013%); highest among the groups gnomAD compares: Admixed American, 0.002%; no homozygotes.

Submissions (2):

Labcorp Genetics (formerly Invitae), Labcorp
Classification: Uncertain significance for Glycogen storage disease due to muscle and heart glycogen synthase deficiency. Last evaluated: 2020-10-15. Review status: criteria provided, single submitter. Criteria: Invitae Variant Classification Sherloc (09022015). Collection method: clinical testing. Allele origin: germline.
Comment: This variant is not present in population databases (ExAC no frequency). This sequence change replaces glycine with valine at codon 633 of the GYS1 protein (p.Gly633Val). The glycine residue is moderately conserved and there is a moderate physicochemical difference between glycine and valine. This variant has not been reported in the literature in individuals with GYS1-related conditions. In summary, the available evidence is currently insufficient to determine the role of this variant in disease. Therefore, it has been classified as a Variant of Uncertain Significance. Algorithms developed to predict the effect of sequence changes on RNA splicing suggest that this variant may create or strengthen a splice site, but this prediction has not been confirmed by published transcriptional studies. Algorithms developed to predict the effect of missense changes on protein structure and function are either unavailable or do not agree on the potential impact of this missense change (SIFT: "Deleterious"; PolyPhen-2: "Probably Damaging"; Align-GVGD: "Class C0").

Mayo Clinic Laboratories, Mayo Clinic
Classification: Uncertain significance. Last evaluated: 2019-04-30. Review status: criteria provided, single submitter. Criteria: ACMG Guidelines, 2015. Collection method: clinical testing. Allele origin: germline. Observed: 1 variant allele.

NM_002103.5(GYS1):c.1898G>T (p.Gly633Val)

Gene: GYS1 (glycogen synthase 1; minus strand). Cytogenetic location: 19q13.33.
Variant type: single nucleotide variant.
Coding change: c.1898G>T on transcript NM_002103.5 (MANE Select); coding-DNA position 1898, G replaced by T.
Protein change: p.Gly633Val; replaces glycine 633 with valine.
Molecular consequence: missense variant. On other transcripts: non-coding transcript variant (1).
Genome position (GRCh38, 1-based): chr19:48,969,604, C>A on the plus strand (G>T on the coding strand, the complement: GYS1 is on the minus strand). VCF-style: chr19-48969604-C-A. GRCh37 (hg19) VCF-style: chr19-49472861-C-A.
Other names: c.1706G>T, p.Gly569Val (NM_001161587.2); short protein forms G569V, G633V.
Identifiers: ClinVar variation 1021949 (VCV001021949.11), dbSNP rs764135201, ClinGen allele CA406759676.